The following is an entry in ClinVar:

ClinVar aggregate classification (germline): Conflicting classifications of pathogenicity. Review status: criteria provided, conflicting classifications (1 of 4 stars). 3 submissions from 3 submitters: Pathogenic (1); Likely pathogenic (1); Uncertain significance (1). Last evaluated 2025-12-03.

Conditions:
Combined immunodeficiency due to partial RAG1 deficiency. Identifiers: Orphanet 231154, MedGen C1835931, MONDO:0012359, OMIM 609889.
Severe combined immunodeficiency, autosomal recessive, T cell-negative, B cell-negative, NK cell-positive. Also called: SCID, T CELL-NEGATIVE, B CELL-NEGATIVE, NK CELL-POSITIVE; SCID, AR, T-cell negative, B-cell negative, NK cell-positive; Severe combined immunodeficiency due to complete RAG1/2 deficiency. Identifiers: Orphanet 331206, MedGen C1832322, MONDO:0011086, OMIM 601457.
Combined immunodeficiency with skin granulomas. Identifiers: Orphanet 157949, MedGen C2673536, MONDO:0009306, OMIM 233650.
Histiocytic medullary reticulosis. Also called: SEVERE COMBINED IMMUNODEFICIENCY WITH HYPEREOSINOPHILIA; Omenn syndrome. Identifiers: Orphanet 39041, MedGen C2700553, MONDO:0011338, OMIM 603554.

Submissions (3):

Labcorp Genetics (formerly Invitae), Labcorp
Classification: Pathogenic for Combined immunodeficiency with skin granulomas; Severe combined immunodeficiency, autosomal recessive, T cell-negative, B cell-negative, NK cell-positive. Last evaluated: 2025-12-03. Review status: criteria provided, single submitter. Criteria: Invitae Variant Classification Sherloc (09022015). Collection method: clinical testing. Allele origin: germline.
Comment: This sequence change is expected to alter the c-terminus of the RAG1 protein (p.Leu1025Phefs*40). While this is not anticipated to result in nonsense mediated decay, it is expected to disrupt the last 19 amino acid(s) of the RAG1 protein and extend the protein by 20 additional amino acid residues. This variant is not present in population databases (gnomAD no frequency). This frameshift has been observed in individuals with severe combined immunodeficiency or Omenn syndrome (PMID: 26476733, 28747913). This variant is also known as c.3198_3199insT (p.L1025FfsX39). ClinVar contains an entry for this variant (Variation ID: 1457784). For these reasons, this variant has been classified as Pathogenic.

Baylor Genetics
Classification: Likely pathogenic for Combined immunodeficiency due to partial RAG1 deficiency. Last evaluated: 2024-01-09. Review status: criteria provided, single submitter. Criteria: ACMG Guidelines, 2015. Collection method: clinical testing. Allele origin: unknown.

Department of Pathology and Laboratory Medicine, Sinai Health System
Classification: Uncertain significance for Severe combined immunodeficiency, autosomal recessive, T cell-negative, B cell-negative, NK cell-positive; Combined immunodeficiency with skin granulomas; Histiocytic medullary reticulosis. Last evaluated: 2022-10-14. Review status: criteria provided, single submitter. Criteria: ACMG Guidelines, 2015. Collection method: research. Allele origin: germline.

Literature cited by the submitters: PubMed 26476733 (cited by Labcorp Genetics (formerly Invitae), Labcorp); PubMed 28747913 (cited by Labcorp Genetics (formerly Invitae), Labcorp).

NM_000448.3(RAG1):c.3074dup (p.Leu1025fs)

Gene: RAG1 (recombination activating 1; plus strand). Cytogenetic location: 11p12.
Variant type: Duplication.
Coding change: c.3074dup on transcript NM_000448.3 (MANE Select); coding-DNA position 3074, one base duplicated (T; older notation c.3074dupT).
Protein change: p.Leu1025fs; shifts the reading frame from leucine 1025.
Molecular consequence: frameshift variant.
Genome position (GRCh38, 1-based): chr11:36,576,378, T duplicated; the last of 2 consecutive T bases (chr11:36,576,377-36,576,378); duplicating either gives the same sequence. VCF-style (leftmost placement, unchanged base first): chr11-36576376-C-CT. GRCh37 (hg19) VCF-style: chr11-36597926-C-CT.
Other names: c.3074dup, p.Leu1025fs (NM_001377277.1, NM_001377278.1, NM_001377279.1 and 1 more transcripts); short protein forms L1025fs.
Identifiers: ClinVar variation 1457784 (VCV001457784.11), dbSNP rs1564990390, ClinGen allele CA918857176.